The following is an entry in ClinVar:

ClinVar aggregate classification (germline): Uncertain significance (1 of 4 stars; one submission).

Conditions:
Developmental and epileptic encephalopathy, 30 (DEE30). Also called: Epileptic encephalopathy, early infantile, 30. Identifiers: MedGen C4225360, MONDO:0014595, OMIM 616341.

Allele frequency attached by ClinVar (database versions not stated): gnomAD exomes below 0.00001; ExAC 0.00001.

Submissions (2):

Labcorp Genetics (formerly Invitae), Labcorp
Classification: Uncertain significance for Developmental and epileptic encephalopathy, 30. Last evaluated: 2020-04-06. Review status: criteria provided, single submitter. Criteria: Invitae Variant Classification Sherloc (09022015). Collection method: clinical testing. Allele origin: germline.
Comment: In summary, the available evidence is currently insufficient to determine the role of this variant in disease. Therefore, it has been classified as a Variant of Uncertain Significance. Algorithms developed to predict the effect of sequence changes on RNA splicing suggest that this variant may create or strengthen a splice site, but this prediction has not been confirmed by published transcriptional studies. This sequence change replaces arginine with glutamine at codon 344 of the SIK1 protein (p.Arg344Gln). The arginine residue is highly conserved and there is a small physicochemical difference between arginine and glutamine. This variant is present in population databases (rs778543025, ExAC 0.008%). This variant has not been reported in the literature in individuals with SIK1-related disease. Algorithms developed to predict the effect of missense changes on protein structure and function (SIFT, PolyPhen-2, Align-GVGD) all suggest that this variant is likely to be disruptive, but these predictions have not been confirmed by published functional studies and their clinical significance is uncertain.

Dr. Peter K. Rogan Lab, Western University
No classification provided (evidence only). Condition: Malignant tumor of esophagus. Review status: no classification provided. Collection method: in vitro. Allele origin: not applicable. Functional consequence: skipped exon, retained intron. Not counted in ClinVar's aggregate classification.

NM_173354.5(SIK1):c.1031G>A (p.Arg344Gln)

Gene: SIK1 (salt inducible kinase 1; minus strand). Cytogenetic location: 21q22.3.
Variant type: single nucleotide variant.
Coding change: c.1031G>A on transcript NM_173354.5 (MANE Select); coding-DNA position 1031, G replaced by A.
Protein change: p.Arg344Gln; replaces arginine 344 with glutamine.
Molecular consequence: missense variant.
Genome position (GRCh38, 1-based): chr21:43,419,947, C>T on the plus strand (G>A on the coding strand, the complement: SIK1 is on the minus strand). VCF-style: chr21-43419947-C-T. GRCh37 (hg19) VCF-style: chr21-44839827-C-T.
Other names: short protein forms R344Q.
Identifiers: ClinVar variation 572301 (VCV000572301.10), dbSNP rs778543025, ClinGen allele CA321326547.
Genomic context (GRCh38, chr21:43,419,947, plus strand): 5'-GGCCGCGGCTGCCTGGCAGGCCCGGGGCGGGCGCACTGGGCATTCCGATACTCCTTGAGC[C>T]GCTCAAGGAGGAGGTAATAAATGGCAGCAAAGTGGTTATAGCTGCTGTTTTGCAGTGACT-3'
Protein context (NP_775490.2, residues 334-354): FAAIYYLLLE[Arg344Gln]LKEYRNAQCA